The following is an entry in ClinVar:

NM_000038.6(APC):c.8368C>G (p.Pro2790Ala)

Gene: APC (APC regulator of Wnt signaling pathway; plus strand). Cytogenetic location: 5q22.2.
Variant type: single nucleotide variant.
Coding change: c.8368C>G on transcript NM_000038.6 (MANE Select); coding-DNA position 8368, C replaced by G.
Protein change: p.Pro2790Ala; replaces proline 2790 with alanine.
Molecular consequence: missense variant.
Genome position (GRCh38, 1-based): chr5:112,843,962, C>G. VCF-style: chr5-112843962-C-G. GRCh37 (hg19) VCF-style: chr5-112179659-C-G.
Other names: c.8368C>G, p.Pro2790Ala (NM_001127510.3, NM_001354895.2); c.8314C>G, p.Pro2772Ala (NM_001127511.3); c.8422C>G, p.Pro2808Ala (NM_001354896.2); c.8398C>G, p.Pro2800Ala (NM_001354897.2); c.8293C>G, p.Pro2765Ala (NM_001354898.2); c.8284C>G, p.Pro2762Ala (NM_001354899.2); c.8245C>G, p.Pro2749Ala (NM_001354900.2); c.8191C>G, p.Pro2731Ala (NM_001354901.2); and 5 more; short protein forms P2749A, P2765A, P2808A, P2507A, P2630A, P2689A, P2772A, P2664A.
Identifiers: ClinVar variation 924301 (VCV000924301.17), dbSNP rs1580692838, ClinGen allele CA16039492.

ClinVar aggregate classification (germline): Uncertain significance. Review status: criteria provided, multiple submitters, no conflicts (2 of 4 stars). 5 submissions from 5 submitters: Uncertain significance (5). Last evaluated 2024-06-04.

Conditions:
Hereditary cancer-predisposing syndrome. Also called: Neoplastic Syndromes, Hereditary; Tumor predisposition; Hereditary Cancer Syndrome; Hereditary neoplastic syndrome. Identifiers: Orphanet 140162, MedGen C0027672, MeSH D009386, MONDO:0015356.
Familial adenomatous polyposis 1 (FAP1). Also called: FAMILIAL ADENOMATOUS POLYPOSIS 1, ATTENUATED; POLYPOSIS, ADENOMATOUS INTESTINAL. Identifiers: MedGen C2713442, MONDO:0021056, OMIM 175100. Disease mechanism: loss of function.

Submissions (5):

Ambry Genetics
Classification: Uncertain significance for Hereditary cancer-predisposing syndrome. Last evaluated: 2024-06-04. Review status: criteria provided, single submitter. Criteria: Ambry Variant Classification Scheme 2023. Collection method: clinical testing. Allele origin: germline.
Comment: The p.P2790A variant (also known as c.8368C>G), located in coding exon 15 of the APC gene, results from a C to G substitution at nucleotide position 8368. The proline at codon 2790 is replaced by alanine, an amino acid with highly similar properties. This amino acid position is well conserved in available vertebrate species. In addition, in silico predictors for this gene do not accurately predict pathogenicity. Missense alterations in APC are not a common cause of disease (Spier I et al. Genet Med. 2024 Feb;26(2):100992). Based on the available evidence, the clinical significance of this variant remains unclear.

Color Diagnostics, LLC DBA Color Health
Classification: Uncertain significance for Hereditary cancer-predisposing syndrome. Last evaluated: 2023-12-04. Review status: criteria provided, single submitter. Criteria: ACMG Guidelines, 2015. Collection method: clinical testing. Allele origin: germline.
Comment: This missense variant replaces proline with alanine at codon 2790 of the APC protein. Computational prediction is inconclusive regarding the impact of this variant on protein structure and function (internally defined REVEL score threshold 0.5 < inconclusive < 0.7, PMID: 27666373). To our knowledge, functional studies have not been reported for this variant. This variant has not been reported in individuals affected with APC-related disorders in the literature. This variant has not been identified in the general population by the Genome Aggregation Database (gnomAD). The available evidence is insufficient to determine the role of this variant in disease conclusively. Therefore, this variant is classified as a Variant of Uncertain Significance.

Baylor Genetics
Classification: Uncertain significance for Familial adenomatous polyposis 1. Last evaluated: 2023-11-09. Review status: criteria provided, single submitter. Criteria: ACMG Guidelines, 2015. Collection method: clinical testing. Allele origin: unknown.

Labcorp Genetics (formerly Invitae), Labcorp
Classification: Uncertain significance for Familial adenomatous polyposis 1. Last evaluated: 2023-10-14. Review status: criteria provided, single submitter. Criteria: Invitae Variant Classification Sherloc (09022015). Collection method: clinical testing. Allele origin: germline.
Comment: This sequence change replaces proline, which is neutral and non-polar, with alanine, which is neutral and non-polar, at codon 2790 of the APC protein (p.Pro2790Ala). This variant is not present in population databases (gnomAD no frequency). This variant has not been reported in the literature in individuals affected with APC-related conditions. ClinVar contains an entry for this variant (Variation ID: 924301). Advanced modeling of protein sequence and biophysical properties (such as structural, functional, and spatial information, amino acid conservation, physicochemical variation, residue mobility, and thermodynamic stability) performed at Invitae indicates that this missense variant is not expected to disrupt APC protein function. In summary, the available evidence is currently insufficient to determine the role of this variant in disease. Therefore, it has been classified as a Variant of Uncertain Significance.

Women's Health and Genetics/Laboratory Corporation of America, LabCorp
Classification: Uncertain significance. Last evaluated: 2022-01-22. Review status: criteria provided, single submitter. Criteria: LabCorp Variant Classification Summary - May 2015. Collection method: clinical testing. Allele origin: germline.